The following is an entry in ClinVar:

NC_000009.11:g.(?_123783767)_(123785817_?)del

Gene: C5 (complement C5; minus strand). Cytogenetic location: 9q33.2.
Variant type: Deletion.
Identifiers: ClinVar variation 1460355 (VCV001460355.5).

ClinVar aggregate classification (germline): Pathogenic (1 of 4 stars; one submission).

Submission:

Labcorp Genetics (formerly Invitae), Labcorp
Classification: Pathogenic. Last evaluated: 2022-12-30. Review status: criteria provided, single submitter. Criteria: Invitae Variant Classification Sherloc (09022015). Collection method: clinical testing. Allele origin: germline.
Comment: For these reasons, this variant has been classified as Pathogenic. This variant has not been reported in the literature in individuals affected with C5-related conditions. This variant is a gross deletion of the genomic region encompassing exon(s) 10-11 of the C5 gene. This deletion is out-of-frame, and is expected to create a premature termination codon and result in an absent or disrupted protein product. Loss-of-function variants in C5 are known to be pathogenic (PMID: 7730648, 19414197, 27026170).

Literature cited by the submitters: PubMed 7730648; PubMed 19414197; PubMed 27026170.